The following is an entry in ClinVar:

NM_005321.3(H1-4):c.421_423del (p.Ala141del)

Gene: H1-4 (H1.4 linker histone, cluster member; plus strand). Cytogenetic location: 6p22.2.
Variant type: Deletion.
Coding change: c.421_423del on transcript NM_005321.3 (MANE Select); coding-DNA positions 421 to 423, 3 bases deleted (GCG; older notation c.421_423delGCG).
Protein change: p.Ala141del; deletes alanine 141.
Molecular consequence: inframe deletion.
Genome position (GRCh38, 1-based): chr6:26,156,811-26,156,813, GCG deleted; deleting any 3 consecutive bases within chr6:26,156,810-26,156,813 gives the same sequence; the c. name uses the placement nearest the transcript's 3' end. VCF-style (leftmost placement, unchanged base first): chr6-26156809-AGGC-A. GRCh37 (hg19) VCF-style: chr6-26157037-AGGC-A.
Other names: short protein forms A141del.
Identifiers: ClinVar variation 4979639 (VCV004979639.1).
Genomic context (GRCh38, chr6:26,156,809, plus strand): 5'-CTAAAAAGGCAGGCGCGGCCAAGGCCAAGAAGCCAGCAGGAGCGGCGAAGAAGCCCAAGA[AGGC>A]GACGGGGGCGGCCACCCCCAAGAAGAGCGCCAAGAAGACCCCAAAGAAGGCGAAGAAGCC-3'

ClinVar aggregate classification (germline): Uncertain significance (1 of 4 stars; one submission).

Conditions:
H1-4-related disorder. Also called: H1-4-related condition.

Submission:

PreventionGenetics, part of Exact Sciences
Classification: Uncertain significance for H1-4-related condition. Last evaluated: 2025-10-20. Review status: criteria provided, single submitter. Criteria: ACMG Guidelines, 2015. Collection method: clinical testing. Allele origin: germline.
Comment: The H1-4 c.421_423delGCG variant is predicted to result in an in-frame deletion (p.Ala141del). To our knowledge, this variant has not been reported in the literature or in a large population database (gnomAD), indicating this variant is rare. At this time, the clinical significance of this variant is uncertain due to the absence of conclusive functional and genetic evidence.